The following is an entry in ClinVar:

NM_000368.5(TSC1):c.1573A>G (p.Ser525Gly)

Gene: TSC1 (TSC complex subunit 1; minus strand). Cytogenetic location: 9q34.13.
Variant type: single nucleotide variant.
Coding change: c.1573A>G on transcript NM_000368.5 (MANE Select); coding-DNA position 1573, A replaced by G.
Protein change: p.Ser525Gly; replaces serine 525 with glycine.
Molecular consequence: missense variant.
Genome position (GRCh38, 1-based): chr9:132,906,005, T>C on the plus strand (A>G on the coding strand, the complement: TSC1 is on the minus strand). VCF-style: chr9-132906005-T-C. GRCh37 (hg19) VCF-style: chr9-135781392-T-C.
Other names: c.1570A>G, p.Ser524Gly (NM_001162426.2); c.1420A>G, p.Ser474Gly (NM_001162427.2); c.1210A>G, p.Ser404Gly (NM_001362177.2); short protein forms S404G, S474G, S524G, S525G.
Identifiers: ClinVar variation 857567 (VCV000857567.9), dbSNP rs1845647074, ClinGen allele CA375365019.

ClinVar aggregate classification (germline): Uncertain significance (1 of 4 stars; one submission).

Conditions:
Tuberous sclerosis 1 (TSC1). Identifiers: Orphanet 805, MedGen C1854465, MONDO:0008612, OMIM 191100.

gnomAD v4.1: 2 of 1,614,024 alleles (0.00012%); highest among the groups gnomAD compares: South Asian, 0.0022%; no homozygotes.

Submission:

Labcorp Genetics (formerly Invitae), Labcorp
Classification: Uncertain significance for Tuberous sclerosis 1. Last evaluated: 2019-03-13. Review status: criteria provided, single submitter. Criteria: Invitae Variant Classification Sherloc (09022015). Collection method: clinical testing. Allele origin: germline.
Comment: This sequence change replaces serine with glycine at codon 525 of the TSC1 protein (p.Ser525Gly). The serine residue is weakly conserved and there is a small physicochemical difference between serine and glycine. This variant is not present in population databases (ExAC no frequency). This variant has not been reported in the literature in individuals with TSC1-related conditions. Algorithms developed to predict the effect of missense changes on protein structure and function output the following: SIFT: "Tolerated"; PolyPhen-2: "Benign"; Align-GVGD: "Class C0". The glycine amino acid residue is found in multiple mammalian species, suggesting that this missense change does not adversely affect protein function. These predictions have not been confirmed by published functional studies and their clinical significance is uncertain. In summary, the available evidence is currently insufficient to determine the role of this variant in disease. Therefore, it has been classified as a Variant of Uncertain Significance.